The following is an entry in ClinVar:

NM_003640.5(ELP1):c.1696_1697del (p.Thr566fs)

Gene: ELP1 (elongator acetyltransferase complex subunit 1; minus strand). Cytogenetic location: 9q31.3.
Variant type: Deletion.
Coding change: c.1696_1697del on transcript NM_003640.5 (MANE Select); coding-DNA positions 1696 to 1697, 2 bases deleted (AC; older notation c.1696_1697delAC).
Protein change: p.Thr566fs; shifts the reading frame from threonine 566.
Molecular consequence: frameshift variant.
Genome position (GRCh38, 1-based): chr9:108,903,616-108,903,617, GT deleted on the plus strand (AC on the coding strand, the reverse complement: ELP1 is on the minus strand). VCF-style (leftmost placement, unchanged base first): chr9-108903615-GGT-G. GRCh37 (hg19) VCF-style: chr9-111665895-GGT-G.
Other names: c.1354_1355del, p.Thr452fs (NM_001318360.2); c.649_650del, p.Thr217fs (NM_001330749.2); short protein forms T452fs, T217fs, T566fs.
Identifiers: ClinVar variation 1453794 (VCV001453794.6), dbSNP rs2131996846, ClinGen allele CA2573143738.
Genomic context (GRCh38, chr9:108,903,615, plus strand): 5'-ATACTCACCCCAAAGGTACTTAAATATCTGGCCATCAGCCAGCTGTAATACTACTGACTT[GGT>G]CTTGGAATTGCAACATAGACTGATTATGACCCCATCCACCGCTGCAGATGAACTGACAAA-3'

ClinVar aggregate classification (germline): Pathogenic (1 of 4 stars; one submission).

Submission:

Labcorp Genetics (formerly Invitae), Labcorp
Classification: Pathogenic. Last evaluated: 2021-10-03. Review status: criteria provided, single submitter. Criteria: Invitae Variant Classification Sherloc (09022015). Collection method: clinical testing. Allele origin: germline.
Comment: Algorithms developed to predict the effect of sequence changes on RNA splicing suggest that this variant may create or strengthen a splice site. For these reasons, this variant has been classified as Pathogenic. This variant has not been reported in the literature in individuals affected with ELP1-related conditions. This variant is not present in population databases (ExAC no frequency). This sequence change creates a premature translational stop signal (p.Thr566Glnfs*9) in the ELP1 gene. It is expected to result in an absent or disrupted protein product. Loss-of-function variants in ELP1 are known to be pathogenic (PMID: 18303054, 24173031).

Literature cited by the submitters: PubMed 18303054; PubMed 24173031.